The following is an entry in ClinVar:

ClinVar aggregate classification (germline): Uncertain significance (1 of 4 stars; one submission).

Submission:

Labcorp Genetics (formerly Invitae), Labcorp
Classification: Uncertain significance. Last evaluated: 2025-08-10. Review status: criteria provided, single submitter. Criteria: Invitae Variant Classification Sherloc (09022015). Collection method: clinical testing. Allele origin: germline.
Comment: This sequence change replaces methionine, which is neutral and non-polar, with valine, which is neutral and non-polar, at codon 1769 of the KAT6A protein (p.Met1769Val). This variant is not present in population databases (gnomAD no frequency). This variant has not been reported in the literature in individuals affected with KAT6A-related conditions. Invitae Evidence Modeling of protein sequence and biophysical properties (such as structural, functional, and spatial information, amino acid conservation, physicochemical variation, residue mobility, and thermodynamic stability) indicates that this missense variant is not expected to disrupt KAT6A protein function with a negative predictive value of 95%. In summary, the available evidence is currently insufficient to determine the role of this variant in disease. Therefore, it has been classified as a Variant of Uncertain Significance.

NM_006766.5(KAT6A):c.5305A>G (p.Met1769Val)

Gene: KAT6A (lysine acetyltransferase 6A; minus strand). Cytogenetic location: 8p11.21.
Variant type: single nucleotide variant.
Coding change: c.5305A>G on transcript NM_006766.5 (MANE Select); coding-DNA position 5305, A replaced by G.
Protein change: p.Met1769Val; replaces methionine 1769 with valine.
Molecular consequence: missense variant.
Genome position (GRCh38, 1-based): chr8:41,932,915, T>C on the plus strand (A>G on the coding strand, the complement: KAT6A is on the minus strand). VCF-style: chr8-41932915-T-C. GRCh37 (hg19) VCF-style: chr8-41790433-T-C.
Other names: short protein forms M1769V.
Identifiers: ClinVar variation 4754722 (VCV004754722.1).